The following is an entry in ClinVar:

ClinVar aggregate classification (germline): Uncertain significance (1 of 4 stars; one submission).

Submission:

GeneDx
Classification: Uncertain significance. Last evaluated: 2022-01-17. Review status: criteria provided, single submitter. Criteria: GeneDx Variant Classification Process June 2021. Collection method: clinical testing. Allele origin: germline. Affected: yes.
Comment: Not observed at significant frequency in large population cohorts (gnomAD); In silico analysis supports that this missense variant does not alter protein structure/function; Has not been previously published as pathogenic or benign to our knowledge

NM_001379451.1(BCORL1):c.1348G>T (p.Val450Leu)

Gene: BCORL1 (BCL6 corepressor like 1; plus strand). Cytogenetic location: Xq26.1.
Variant type: single nucleotide variant.
Coding change: c.1348G>T on transcript NM_001379451.1 (MANE Select); coding-DNA position 1348, G replaced by T.
Protein change: p.Val450Leu; replaces valine 450 with leucine.
Molecular consequence: missense variant.
Genome position (GRCh38, 1-based): chrX:130,014,120, G>T. VCF-style: chrX-130014120-G-T. GRCh37 (hg19) VCF-style: chrX-129148096-G-T.
Other names: c.1348G>T, p.Val450Leu (NM_001184772.3, NM_001379450.1, NM_021946.5); short protein forms V450L.
Identifiers: ClinVar variation 1697062 (VCV001697062.2), dbSNP rs1218505420, ClinGen allele CA414582155.